The following is an entry in ClinVar:

ClinVar aggregate classification (germline): Conflicting classifications of pathogenicity. Review status: criteria provided, conflicting classifications (1 of 4 stars). 3 submissions from 3 submitters: Uncertain significance (2); Likely benign (1). Last evaluated 2025-07-30.

Conditions:
Early-infantile DEE. Also called: Ohtahara syndrome; Early infantile epileptic encephalopathy; Early infantile epileptic encephalopathy with suppression bursts. Identifiers: Orphanet 1934, MedGen C0393706, MONDO:0800491.
Seizures, benign familial neonatal, 1. Also called: KCNQ2-Related Self-Limited Familial Neonatal Epilepsy (SLFNE); Seizures, benign neonatal, 1; Benign Neonatal Epilepsy 1; KCNQ2-Related Benign Familial Neonatal Epilepsy. Identifiers: Orphanet 1949, MedGen C3149074, MONDO:0007365, OMIM 121200.
Developmental and epileptic encephalopathy, 7 (DEE7). Also called: KCNQ2-Related Neonatal-Onset Developmental and Epileptic Encephalopathy (NEO-DEE); Early infantile epileptic encephalopathy 7; KCNQ2-Related Neonatal Epileptic Encephalopathy. Identifiers: Orphanet 439218, MedGen C3150986, MONDO:0013387, OMIM 613720.

Allele frequency attached by ClinVar (database versions not stated): gnomAD exomes 0.00003 and 0.00004; gnomAD 0.00004; TOPMed 0.00004; ExAC 0.00008.
gnomAD v4.1: 58 of 1,536,654 alleles (0.0038%); highest among the groups gnomAD compares: Non-Finnish European, 0.0051%; no homozygotes.

Submissions (3):

Labcorp Genetics (formerly Invitae), Labcorp
Classification: Uncertain significance for Early-infantile DEE. Last evaluated: 2025-07-30. Review status: criteria provided, single submitter. Criteria: Invitae Variant Classification Sherloc (09022015). Collection method: clinical testing. Allele origin: germline.
Comment: This sequence change replaces alanine, which is neutral and non-polar, with serine, which is neutral and polar, at codon 64 of the KCNQ2 protein (p.Ala64Ser). This variant is present in population databases (rs780110473, gnomAD 0.01%). This variant has not been reported in the literature in individuals affected with KCNQ2-related conditions. ClinVar contains an entry for this variant (Variation ID: 205858). Invitae Evidence Modeling of protein sequence and biophysical properties (such as structural, functional, and spatial information, amino acid conservation, physicochemical variation, residue mobility, and thermodynamic stability) has been performed for this missense variant. However, the output from this modeling did not meet the statistical confidence thresholds required to predict the impact of this variant on KCNQ2 protein function. In summary, the available evidence is currently insufficient to determine the role of this variant in disease. Therefore, it has been classified as a Variant of Uncertain Significance.

Department of Pathology and Laboratory Medicine, Sinai Health System
Classification: Uncertain significance for Seizures, benign familial neonatal, 1; Developmental and epileptic encephalopathy, 7. Last evaluated: 2022-12-20. Review status: criteria provided, single submitter. Criteria: ACMG Guidelines, 2015. Collection method: research. Allele origin: germline.

GeneDx
Classification: Likely benign. Last evaluated: 2014-05-01. Review status: criteria provided, single submitter. Criteria: GeneDx Variant Classification (06012015). Collection method: clinical testing. Allele origin: germline. Affected: yes.
Comment: This variant is considered likely benign or benign based on one or more of the following criteria: it is a conservative change, it occurs at a poorly conserved position in the protein, it is predicted to be benign by multiple in silico algorithms, and/or has population frequency not consistent with disease.

NM_172107.4(KCNQ2):c.190G>T (p.Ala64Ser)

Gene: KCNQ2 (potassium voltage-gated channel subfamily Q member 2; minus strand). Cytogenetic location: 20q13.33.
Variant type: single nucleotide variant.
Coding change: c.190G>T on transcript NM_172107.4 (MANE Select); coding-DNA position 190, G replaced by T.
Protein change: p.Ala64Ser; replaces alanine 64 with serine.
Molecular consequence: missense variant.
Genome position (GRCh38, 1-based): chr20:63,472,274, C>A on the plus strand (G>T on the coding strand, the complement: KCNQ2 is on the minus strand). VCF-style: chr20-63472274-C-A. GRCh37 (hg19) VCF-style: chr20-62103627-C-A.
Other names: p.A64S:GCC>TCC; c.190G>T, p.Ala64Ser (NM_004518.6, NM_172106.3, NM_172108.5 and 1 more transcripts); short protein forms A64S.
Identifiers: ClinVar variation 205858 (VCV000205858.9), dbSNP rs780110473, ClinGen allele CA315339.
Genomic context (GRCh38, chr20:63,472,274, plus strand): 5'-CGTTGTAGAGGAAATTCTGCAGCTTGCGGTAGAAGGCGTTGCGCTTGGGGGGCTTCCCGG[C>A]GCCCGCGCCGCCCGCGCGAGGTTTGCTGAGGATGCTGCCGCGCTTGGGGGCCTCGGAGCC-3'
Protein context (NP_742105.1, residues 54-74): LSKPRAGGAG[Ala64Ser]GKPPKRNAFY